The following is an entry in ClinVar:

NM_000384.3(APOB):c.56T>A (p.Leu19Gln)

Genes: APOB (apolipoprotein B; minus strand), LOC106560211 (APOB 5' regulatory region; plus strand). Cytogenetic location: 2p24.1.
Variant type: single nucleotide variant.
Coding change: c.56T>A on transcript NM_000384.3 (MANE Select); coding-DNA position 56, T replaced by A.
Protein change: p.Leu19Gln; replaces leucine 19 with glutamine.
Molecular consequence: missense variant.
Genome position (GRCh38, 1-based): chr2:21,043,890, A>T on the plus strand (T>A on the coding strand, the complement: APOB is on the minus strand). VCF-style: chr2-21043890-A-T. GRCh37 (hg19) VCF-style: chr2-21266762-A-T.
Other names: short protein forms L19Q.
Identifiers: ClinVar variation 4055842 (VCV004055842.1).

ClinVar aggregate classification (germline): Uncertain significance (1 of 4 stars; one submission).

Submission:

GeneDx
Classification: Uncertain significance. Last evaluated: 2024-12-22. Review status: criteria provided, single submitter. Criteria: GeneDx Variant Classification Process June 2021. Collection method: clinical testing. Allele origin: germline. Affected: yes.
Comment: Not observed at significant frequency in large population cohorts (gnomAD); In silico analysis supports that this missense variant has a deleterious effect on protein structure/function; Has not been previously published as pathogenic or benign to our knowledge